The following is an entry in ClinVar:

NM_031433.4(MFRP):c.314T>C (p.Leu105Pro)

Genes: C1QTNF5 (C1q and TNF related 5; minus strand), MFRP (membrane frizzled-related protein; minus strand). Cytogenetic location: 11q23.3.
Variant type: single nucleotide variant.
Coding change: c.314T>C on transcript NM_031433.4 (MANE Select); coding-DNA position 314, T replaced by C.
Protein change: p.Leu105Pro; replaces leucine 105 with proline.
Molecular consequence: missense variant. On other transcripts: 5 prime UTR variant (1).
Genome position (GRCh38, 1-based): chr11:119,345,886, A>G on the plus strand (T>C on the coding strand, the complement: MFRP is on the minus strand). VCF-style: chr11-119345886-A-G. GRCh37 (hg19) VCF-style: chr11-119216596-A-G.
Other names: c.-2323T>C (NM_015645.5); short protein forms L105P.
Identifiers: ClinVar variation 957899 (VCV000957899.9), dbSNP rs766079913, ClinGen allele CA382979011.
Genomic context (GRCh38, chr11:119,345,886, plus strand): 5'-GCTGCCTGAGAGGTGGTGATGGTGGGGGTGGTGGTGGTCGTGGTAAGGCCTCCGGCAGGC[A>G]GTGGGCTATGGGACGCCCCAGATGGGGGTGCAGCCTGCAGCTCTGGAGGCGAGAAGATGG-3'
Protein context (NP_113621.1, residues 95-115): APPSGASHSP[Leu105Pro]PAGGLTTTTT

ClinVar aggregate classification (germline): Uncertain significance (1 of 4 stars; one submission).

Conditions:
Isolated microphthalmia 5. Also called: Posterior Microphthalmia with Retinitis Pigmentosa, Foveoschisis, and Optic Disc Drusen. Identifiers: Orphanet 251279, MedGen C1970236, MONDO:0012605, OMIM 611040.

gnomAD v4.1: 7 of 1,613,664 alleles (0.00043%); highest among the groups gnomAD compares: Middle Eastern, 0.033%; no homozygotes.

Submission:

Labcorp Genetics (formerly Invitae), Labcorp
Classification: Uncertain significance for Isolated microphthalmia 5. Last evaluated: 2022-05-05. Review status: criteria provided, single submitter. Criteria: Invitae Variant Classification Sherloc (09022015). Collection method: clinical testing. Allele origin: germline.
Comment: In summary, the available evidence is currently insufficient to determine the role of this variant in disease. Therefore, it has been classified as a Variant of Uncertain Significance. Algorithms developed to predict the effect of missense changes on protein structure and function output the following: SIFT: "Deleterious"; PolyPhen-2: "Benign"; Align-GVGD: "Class C0". The proline amino acid residue is found in multiple mammalian species, which suggests that this missense change does not adversely affect protein function. ClinVar contains an entry for this variant (Variation ID: 957899). This variant has not been reported in the literature in individuals affected with MFRP-related conditions. This variant is not present in population databases (gnomAD no frequency). This sequence change replaces leucine, which is neutral and non-polar, with proline, which is neutral and non-polar, at codon 105 of the MFRP protein (p.Leu105Pro).